The following is an entry in ClinVar:

NM_001385641.1(SAMD11):c.929T>G (p.Phe310Cys)

Gene: SAMD11 (sterile alpha motif domain containing 11; plus strand). Cytogenetic location: 1p36.33.
Variant type: single nucleotide variant.
Coding change: c.929T>G on transcript NM_001385641.1 (MANE Select); coding-DNA position 929, T replaced by G.
Protein change: p.Phe310Cys; replaces phenylalanine 310 with cysteine.
Molecular consequence: missense variant.
Genome position (GRCh38, 1-based): chr1:935,858, T>G. VCF-style: chr1-935858-T-G. GRCh37 (hg19) VCF-style: chr1-871238-T-G.
Other names: c.929T>G, p.Phe310Cys (NM_001385640.1); c.392T>G, p.Phe131Cys (NM_152486.4); short protein forms F131C, F310C.
Identifiers: ClinVar variation 1427585 (VCV001427585.6), dbSNP rs1020235043, ClinGen allele CA16713584.

ClinVar aggregate classification (germline): Uncertain significance. Review status: criteria provided, multiple submitters, no conflicts (2 of 4 stars). 2 submissions from 2 submitters: Uncertain significance (2). Last evaluated 2022-01-06.

Allele frequency attached by ClinVar (database versions not stated): gnomAD exomes below 0.00001; gnomAD 0.00001; TOPMed 0.00003.
gnomAD v4.1: 3 of 1,613,010 alleles (0.00019%); highest among the groups gnomAD compares: African/African-American, 0.004%; no homozygotes.

Submissions (2):

Labcorp Genetics (formerly Invitae), Labcorp
Classification: Uncertain significance. Last evaluated: 2022-01-06. Review status: criteria provided, single submitter. Criteria: Invitae Variant Classification Sherloc (09022015). Collection method: clinical testing. Allele origin: germline.
Comment: This sequence change replaces phenylalanine, which is neutral and non-polar, with cysteine, which is neutral and slightly polar, at codon 131 of the SAMD11 protein (p.Phe131Cys). This variant is not present in population databases (gnomAD no frequency). This variant has not been reported in the literature in individuals affected with SAMD11-related conditions. Algorithms developed to predict the effect of missense changes on protein structure and function are either unavailable or do not agree on the potential impact of this missense change (SIFT: "Deleterious"; PolyPhen-2: "Probably Damaging"; Align-GVGD: "Class C0"). In summary, the available evidence is currently insufficient to determine the role of this variant in disease. Therefore, it has been classified as a Variant of Uncertain Significance.

Blueprint Genetics
Classification: Uncertain significance. Last evaluated: 2019-04-01. Review status: criteria provided, single submitter. Criteria: ACMG Guidelines, 2015. Collection method: clinical testing. Allele origin: germline.